The following is an entry in ClinVar:

ClinVar aggregate classification (germline): Pathogenic (1 of 4 stars; one submission).

Submission:

CeGaT Center for Human Genetics Tuebingen
Classification: Pathogenic. Last evaluated: 2025-12-01. Review status: criteria provided, single submitter. Criteria: CeGaT Center For Human Genetics Tuebingen Variant Classification Criteria Version 2. Collection method: clinical testing. Allele origin: germline. Affected: yes. Observed: 1 variant allele.
Comment: ASH1L: PVS1, PM2

NM_018489.3(ASH1L):c.204del (p.Asp68fs)

Gene: ASH1L (ASH1 like histone lysine methyltransferase; minus strand). Cytogenetic location: 1q22.
Variant type: Deletion.
Coding change: c.204del on transcript NM_018489.3 (MANE Select); coding-DNA position 204, one base deleted (T; older notation c.204delT).
Protein change: p.Asp68fs; shifts the reading frame from aspartic acid 68.
Molecular consequence: frameshift variant.
Genome position (GRCh38, 1-based): chr1:155,521,316, A deleted on the plus strand (T on the coding strand, the reverse complement: ASH1L is on the minus strand). VCF-style (leftmost placement, unchanged base first): chr1-155521315-CA-C. GRCh37 (hg19) VCF-style: chr1-155491106-CA-C.
Other names: c.204del, p.Asp68fs (NM_001366177.2); short protein forms D68fs.
Identifiers: ClinVar variation 4822896 (VCV004822896.4).
Genomic context (GRCh38, chr1:155,521,315, plus strand): 5'-TTTTCAATTTTAAATTTCCCTCTGAAAAGTTTGTTTCTTTCACTGAAAACTGTTGCTGTG[CA>C]TCAGTCAAACCATCATCTTTCCCAGCTTCGATGTTTCTTTCTCGATTCCGTTTGCGAAGG-3'